The following is an entry in ClinVar:

NM_001386140.1(MTTP):c.1323_1324insGCATC (p.Asn442fs)

Gene: MTTP (microsomal triglyceride transfer protein; plus strand). Cytogenetic location: 4q23.
Variant type: Insertion.
Coding change: c.1323_1324insGCATC on transcript NM_001386140.1 (MANE Select); coding-DNA positions 1323 to 1324, GCATC inserted.
Protein change: p.Asn442fs; shifts the reading frame from asparagine 442.
Molecular consequence: frameshift variant.
Genome position: GRCh38 VCF-style: chr4-99601693-G-GGCATC. GRCh37 (hg19) VCF-style: chr4-100522850-G-GGCATC.
Other names: c.1323_1324insGCATC, p.Asn442fs (NM_000253.4); c.1074_1075insGCATC, p.Asn359fs (NM_001300785.2); short protein forms N359fs, N442fs.
Identifiers: ClinVar variation 5011061 (VCV005011061.1).

ClinVar aggregate classification (germline): Pathogenic (1 of 4 stars; one submission).

Conditions:
Abetalipoproteinaemia (ABL). Also called: MTP DEFICIENCY; Abetalipoproteinemia; Abetalipoproteinemia neuropathy; Apolipoprotein B deficiency; Congenital betalipoprotein deficiency syndrome. Identifiers: Orphanet 14, MedGen C0000744, MONDO:0008692, OMIM 200100, HP:0008181.

Submission:

Myriad Genetics, Inc.
Classification: Pathogenic for Abetalipoproteinaemia. Last evaluated: 2024-05-14. Review status: criteria provided, single submitter. Criteria: Myriad Autosomal Dominant, Autosomal Recessive and X-Linked Classification Criteria (2023). Collection method: clinical testing. Allele origin: unknown.
Comment: NM_000253.2(MTTP):c.1323_1324ins5(N442Afs*11) is expected to be pathogenic in the context of abetalipoproteinemia. This variant is predicted to lead to an abnormal or absent protein product due to the creation of a premature termination codon in MTTP, a gene where loss-of-function variants are known to be pathogenic. Please note: this variant was assessed in the context of healthy population screening.